The following is an entry in ClinVar:

ClinVar aggregate classification (germline): Pathogenic (1 of 4 stars; one submission).

Conditions:
Junctional epidermolysis bullosa. Identifiers: Orphanet 305, MedGen C0079301, MONDO:0017612.

Submission:

Myriad Genetics, Inc.
Classification: Pathogenic for Junctional epidermolysis bullosa. Last evaluated: 2024-03-26. Review status: criteria provided, single submitter. Criteria: Myriad Autosomal Dominant, Autosomal Recessive and X-Linked Classification Criteria (2023). Collection method: clinical testing. Allele origin: unknown.
Comment: NM_000228.2(LAMB3):c.2965C>T(Q989*) is expected to be pathogenic in the context of junctional epidermolysis bullosa, LAMB3-related. This variant is predicted to lead to an abnormal or absent protein product due to the creation of a premature termination codon in LAMB3, a gene where loss-of-function variants are known to be pathogenic. Please note: this variant was assessed in the context of healthy population screening.

NM_000228.3(LAMB3):c.2965C>T (p.Gln989Ter)

Gene: LAMB3 (laminin subunit beta 3; minus strand). Cytogenetic location: 1q32.2.
Variant type: single nucleotide variant.
Coding change: c.2965C>T on transcript NM_000228.3 (MANE Select); coding-DNA position 2965, C replaced by T.
Protein change: p.Gln989Ter; replaces glutamine 989 with a stop codon.
Molecular consequence: nonsense.
Genome position (GRCh38, 1-based): chr1:209,617,993, G>A on the plus strand (C>T on the coding strand, the complement: LAMB3 is on the minus strand). VCF-style: chr1-209617993-G-A. GRCh37 (hg19) VCF-style: chr1-209791338-G-A.
Other names: c.2965C>T, p.Gln989Ter (NM_001017402.2, NM_001127641.1); short protein forms Q989*.
Identifiers: ClinVar variation 5012866 (VCV005012866.1).